The following is an entry in ClinVar:

NM_198506.5(LRIT3):c.1819T>G (p.Cys607Gly)

Gene: LRIT3 (leucine rich repeat, Ig-like and transmembrane domains 3; plus strand). Cytogenetic location: 4q25.
Variant type: single nucleotide variant.
Coding change: c.1819T>G on transcript NM_198506.5 (MANE Select); coding-DNA position 1819, T replaced by G.
Protein change: p.Cys607Gly; replaces cysteine 607 with glycine.
Molecular consequence: missense variant.
Genome position (GRCh38, 1-based): chr4:109,870,568, T>G. VCF-style: chr4-109870568-T-G. GRCh37 (hg19) VCF-style: chr4-110791724-T-G.
Other names: c.1819T>G (NM_198506.4); short protein forms C607G.
Identifiers: ClinVar variation 2195447 (VCV002195447.5), dbSNP rs775779907, ClinGen allele CA3043266.

ClinVar aggregate classification (germline): Uncertain significance. Review status: criteria provided, multiple submitters, no conflicts (2 of 4 stars). 2 submissions from 2 submitters: Uncertain significance (2). Last evaluated 2025-04-24.

Conditions:
LRIT3-related disorder. Also called: LRIT3-related condition.

Allele frequency attached by ClinVar (database versions not stated): gnomAD 0.00001; gnomAD exomes 0.00001; TOPMed 0.00001; ExAC 0.00002.
gnomAD v4.1: 5 of 1,614,000 alleles (0.00031%); highest among the groups gnomAD compares: Admixed American, 0.0067%; no homozygotes.

Submissions (2):

PreventionGenetics, part of Exact Sciences
Classification: Uncertain significance for LRIT3-related condition. Last evaluated: 2025-04-24. Review status: criteria provided, single submitter. Criteria: ACMG Guidelines, 2015. Collection method: clinical testing. Allele origin: germline.
Comment: The LRIT3 c.1819T>G variant is predicted to result in the amino acid substitution p.Cys607Gly. To our knowledge, this variant has not been reported in the literature. This variant is reported in 0.0056% of alleles in individuals of Latino descent in gnomAD. At this time, the clinical significance of this variant is uncertain due to the absence of conclusive functional and genetic evidence.

Labcorp Genetics (formerly Invitae), Labcorp
Classification: Uncertain significance. Last evaluated: 2022-05-18. Review status: criteria provided, single submitter. Criteria: Invitae Variant Classification Sherloc (09022015). Collection method: clinical testing. Allele origin: germline.
Comment: This variant is present in population databases (rs775779907, gnomAD 0.006%). This sequence change replaces cysteine, which is neutral and slightly polar, with glycine, which is neutral and non-polar, at codon 607 of the LRIT3 protein (p.Cys607Gly). This variant has not been reported in the literature in individuals affected with LRIT3-related conditions. In summary, the available evidence is currently insufficient to determine the role of this variant in disease. Therefore, it has been classified as a Variant of Uncertain Significance. Algorithms developed to predict the effect of missense changes on protein structure and function are either unavailable or do not agree on the potential impact of this missense change (SIFT: "Deleterious"; PolyPhen-2: "Probably Damaging"; Align-GVGD: "Class C0").